The following is an entry in ClinVar:

ClinVar aggregate classification (germline): Uncertain significance (1 of 4 stars; one submission).

gnomAD v4.1: 7 of 1,563,530 alleles (0.00045%); highest among the groups gnomAD compares: Non-Finnish European, 0.00053%; no homozygotes.

Submission:

Women's Health and Genetics/Laboratory Corporation of America, LabCorp
Classification: Uncertain significance. Last evaluated: 2025-05-20. Review status: criteria provided, single submitter. Criteria: LabCorp Variant Classification Summary - May 2015. Collection method: clinical testing. Allele origin: germline.
Comment: Variant summary: PDCD10 c.-15G>A is located in the untranslated mRNA region upstream of the initiation codon. The variant allele was found at a frequency of 1.6e-05 in 250508 control chromosomes (gnomAD). The available data on variant occurrences in the general population are insufficient to allow any conclusion about variant significance. To our knowledge, no occurrence of c.-15G>A in individuals affected with Cerebral Cavernous Malformation 3 and no experimental evidence demonstrating its impact on protein function have been reported. No submitters have cited clinical-significance assessments for this variant to ClinVar. Based on the evidence outlined above, the variant was classified as uncertain significance.

NM_007217.4(PDCD10):c.-15G>A

Gene: PDCD10 (programmed cell death 10; minus strand). Cytogenetic location: 3q26.1.
Variant type: single nucleotide variant.
Coding change: c.-15G>A on transcript NM_007217.4 (MANE Select); 15 bases upstream of the start codon, G replaced by A.
Molecular consequence: 5 prime UTR variant.
Genome position (GRCh38, 1-based): chr3:167,720,172, C>T on the plus strand (G>A on the coding strand, the complement: PDCD10 is on the minus strand). VCF-style: chr3-167720172-C-T. GRCh37 (hg19) VCF-style: chr3-167437960-C-T.
Other names: c.-15G>A (NM_145859.2, NM_145860.2).
Identifiers: ClinVar variation 3902789 (VCV003902789.1).
Genomic context (GRCh38, chr3:167,720,172, plus strand): 5'-ATGTGGTCTCAGCTTCATTCTTCATCTCTTCCATTGTCATCCTCATTCAAAAGCCAACTA[C>T]AGTTGAAAAAGCAGTGCTAAAATGCAGAGGAATCTTCATTCACTGCAATATTTCTTCTCT-3'